The following is an entry in ClinVar:

ClinVar aggregate classification (germline): Uncertain significance (1 of 4 stars; one submission).

Allele frequency attached by ClinVar (database versions not stated): TOPMed below 0.00001; gnomAD exomes 0.00001; gnomAD 0.00002.
gnomAD v4.1: 8 of 1,206,125 alleles (0.00066%); highest among the groups gnomAD compares: Non-Finnish European, 0.0009%; no homozygotes.

Submission:

Labcorp Genetics (formerly Invitae), Labcorp
Classification: Uncertain significance. Last evaluated: 2022-02-20. Review status: criteria provided, single submitter. Criteria: Invitae Variant Classification Sherloc (09022015). Collection method: clinical testing. Allele origin: germline.
Comment: This sequence change replaces glutamic acid, which is acidic and polar, with glutamine, which is neutral and polar, at codon 592 of the COL4A5 protein (p.Glu592Gln). The frequency data for this variant in the population databases is considered unreliable, as metrics indicate poor data quality at this position in the gnomAD database. This variant has not been reported in the literature in individuals affected with COL4A5-related conditions. Advanced modeling of protein sequence and biophysical properties (such as structural, functional, and spatial information, amino acid conservation, physicochemical variation, residue mobility, and thermodynamic stability) performed at Invitae indicates that this missense variant is not expected to disrupt COL4A5 protein function. In summary, the available evidence is currently insufficient to determine the role of this variant in disease. Therefore, it has been classified as a Variant of Uncertain Significance.

NM_033380.3(COL4A5):c.1774G>C (p.Glu592Gln)

Gene: COL4A5 (collagen type IV alpha 5 chain; plus strand). Cytogenetic location: Xq22.3.
Variant type: single nucleotide variant.
Coding change: c.1774G>C on transcript NM_033380.3 (MANE Select); coding-DNA position 1774, G replaced by C.
Protein change: p.Glu592Gln; replaces glutamic acid 592 with glutamine.
Molecular consequence: missense variant.
Genome position (GRCh38, 1-based): chrX:108,597,563, G>C. VCF-style: chrX-108597563-G-C. GRCh37 (hg19) VCF-style: chrX-107840793-G-C.
Other names: c.1774G>C, p.Glu592Gln (NM_000495.5); short protein forms E592Q.
Identifiers: ClinVar variation 1931318 (VCV001931318.2), dbSNP rs1187210969, ClinGen allele CA413845576.